The following is an entry in ClinVar:

NM_017841.4(SDHAF2):c.261-8G>C

Gene: SDHAF2 (succinate dehydrogenase complex assembly factor 2; plus strand). Cytogenetic location: 11q12.2.
Variant type: single nucleotide variant.
Coding change: c.261-8G>C on transcript NM_017841.4 (MANE Select); 8 bases into the intron before coding-DNA position 261, G replaced by C.
Molecular consequence: intron variant.
Genome position (GRCh38, 1-based): chr11:61,437,996, G>C. VCF-style: chr11-61437996-G-C. GRCh37 (hg19) VCF-style: chr11-61205468-G-C.
Identifiers: ClinVar variation 1581339 (VCV001581339.10), dbSNP rs779242759, ClinGen allele CA678947503.

ClinVar aggregate classification (germline): Likely benign. Review status: criteria provided, multiple submitters, no conflicts (2 of 4 stars). 3 submissions from 3 submitters: Likely benign (3). Last evaluated 2026-08-04.

Conditions:
Hereditary pheochromocytoma and paraganglioma. Also called: Hereditary paragangliomas and pheochromocytomas; Hereditary Paraganglioma-Pheochromocytoma Syndromes; Hereditary pheochromocytoma-paraganglioma. Identifiers: Orphanet 29072, MedGen C4274332, MONDO:0017366.
Pheochromocytoma/paraganglioma syndrome 2. Also called: SDHAF2-Related Hereditary Paraganglioma-Pheochromocytoma Syndrome; GLOMUS TUMORS, FAMILIAL, 2; Paragangliomas 2; SDHAF2-Related Hereditary Paraganglioma-Pheochromocytoma Syndrome (Paragangliomas 2). Identifiers: Orphanet 29072, MedGen C1866552, MONDO:0011121, OMIM 601650.

Allele frequency attached by ClinVar (database versions not stated): TOPMed 0.00001; gnomAD exomes below 0.00001.
gnomAD v4.1: 3 of 1,612,366 alleles (0.00019%); highest among the groups gnomAD compares: Non-Finnish European, 0.00025%; no homozygotes.

Submissions (3):

Myriad Genetics, Inc.
Classification: Likely benign for Pheochromocytoma/paraganglioma syndrome 2. Last evaluated: 2026-08-04. Review status: criteria provided, single submitter. Criteria: Myriad Autosomal Dominant, Autosomal Recessive and X-Linked Classification Criteria (2023). Collection method: clinical testing. Allele origin: unknown.
Comment: This variant is considered likely benign. This variant is intronic and is not expected to impact mRNA splicing.

Labcorp Genetics (formerly Invitae), Labcorp
Classification: Likely benign for Hereditary pheochromocytoma and paraganglioma. Last evaluated: 2025-12-03. Review status: criteria provided, single submitter. Criteria: Invitae Variant Classification Sherloc (09022015). Collection method: clinical testing. Allele origin: germline.

All of Us Research Program, National Institutes of Health
Classification: Likely benign for Hereditary pheochromocytoma and paraganglioma. Last evaluated: 2023-12-13. Review status: criteria provided, single submitter. Criteria: ACMG Guidelines, 2015. Collection method: clinical testing. Allele origin: germline. Inheritance: Autosomal dominant inheritance. Observed: 2 variant alleles, 2 heterozygotes.
Comment: This study involves interpretation of variants in research participants for the purpose of population health screening. Participant phenotype was not available at the time of variant classification. Additional details can be found in publication PMID: 35346344, PMCID: PMC8962531